The following is an entry in ClinVar:

ClinVar aggregate classification (germline): Uncertain significance (0 of 4 stars; one submission).

Conditions:
ERBB4-related disorder. Also called: ERBB4-related condition.

gnomAD v4.1: 3 of 1,614,024 alleles (0.00019%); highest among the groups gnomAD compares: Admixed American, 0.0017%; no homozygotes.

Submission:

PreventionGenetics, part of Exact Sciences
Classification: Uncertain significance for ERBB4-related condition. Last evaluated: 2024-04-22. Review status: no assertion criteria provided. Collection method: clinical testing. Allele origin: germline.
Comment: The ERBB4 c.8C>T variant is predicted to result in the amino acid substitution p.Pro3Leu. To our knowledge, this variant has not been reported in the literature. This variant is reported in 0.0029% of alleles in individuals of Latino descent in gnomAD. At this time, the clinical significance of this variant is uncertain due to the absence of conclusive functional and genetic evidence.

NM_005235.3(ERBB4):c.8C>T (p.Pro3Leu)

Gene: ERBB4 (erb-b2 receptor tyrosine kinase 4; minus strand). Cytogenetic location: 2q34.
Variant type: single nucleotide variant.
Coding change: c.8C>T on transcript NM_005235.3 (MANE Select); coding-DNA position 8, C replaced by T.
Protein change: p.Pro3Leu; replaces proline 3 with leucine.
Molecular consequence: missense variant.
Genome position (GRCh38, 1-based): chr2:212,538,523, G>A on the plus strand (C>T on the coding strand, the complement: ERBB4 is on the minus strand). VCF-style: chr2-212538523-G-A. GRCh37 (hg19) VCF-style: chr2-213403247-G-A.
Other names: c.8C>T, p.Pro3Leu (NM_001042599.2); short protein forms P3L.
Identifiers: ClinVar variation 3352201 (VCV003352201.1).